The following is an entry in ClinVar:

NM_018136.5(ASPM):c.6012_6013del (p.Tyr2004_Arg2005delinsTer)

Gene: ASPM (assembly factor for spindle microtubules; minus strand). Cytogenetic location: 1q31.3.
Variant type: Microsatellite.
Coding change: c.6012_6013del on transcript NM_018136.5 (MANE Select); coding-DNA positions 6012 to 6013, 2 bases deleted (TA; older notation c.6012_6013delTA).
Protein change: p.Tyr2004_Arg2005delinsTer.
Molecular consequence: nonsense. On other transcripts: intron variant (1).
Genome position (GRCh38, 1-based): chr1:197,103,238-197,103,239, TA deleted on the plus strand (TA on the coding strand, the reverse complement: ASPM is on the minus strand); deleting any 2 consecutive bases within chr1:197,103,238-197,103,241 gives the same sequence; the c. name uses the placement nearest the transcript's 3' end. VCF-style (leftmost placement, unchanged base first): chr1-197103237-CTA-C. GRCh37 (hg19) VCF-style: chr1-197072367-CTA-C.
Other names: c.4066-7075_4066-7074del (NM_001206846.2).
Identifiers: ClinVar variation 2578320 (VCV002578320.1), dbSNP rs758639053, ClinGen allele CA1309644.

ClinVar aggregate classification (germline): Likely pathogenic (1 of 4 stars; one submission).

Submission:

GeneDx
Classification: Likely pathogenic. Last evaluated: 2023-03-02. Review status: criteria provided, single submitter. Criteria: GeneDx Variant Classification Process June 2021. Collection method: clinical testing. Allele origin: germline. Affected: yes.
Comment: Observed with a pathogenic variant in two siblings with primary microcephaly in published literature, but it is not known whether the variants occurred on the same (in cis) or on different (in trans) chromosomes (Xu et al., 2022); Nonsense variant predicted to result in protein truncation or nonsense mediated decay in a gene for which loss of function is a known mechanism of disease; Not observed at significant frequency in large population cohorts (gnomAD); This variant is associated with the following publications: (PMID: 34693918)